The following is an entry in ClinVar:

NM_000282.4(PCCA):c.418C>T (p.His140Tyr)

Gene: PCCA (propionyl-CoA carboxylase subunit alpha; plus strand). Cytogenetic location: 13q32.3.
Variant type: single nucleotide variant.
Coding change: c.418C>T on transcript NM_000282.4 (MANE Select); coding-DNA position 418, C replaced by T.
Protein change: p.His140Tyr; replaces histidine 140 with tyrosine.
Molecular consequence: missense variant. On other transcripts: 5 prime UTR variant (3), non-coding transcript variant (5).
Genome position (GRCh38, 1-based): chr13:100,157,290, C>T. VCF-style: chr13-100157290-C-T. GRCh37 (hg19) VCF-style: chr13-100809544-C-T.
Other names: c.340C>T, p.His114Tyr (NM_001127692.3, NM_001352607.2, NM_001352608.2); c.418C>T, p.His140Tyr (NM_001178004.2, NM_001352605.2, NM_001352606.2 and 1 more transcripts); c.-449C>T (NM_001352610.2, NM_001352611.2, NM_001352612.2); short protein forms H114Y, H140Y.
Identifiers: ClinVar variation 1901735 (VCV001901735.2), dbSNP rs1227664441, ClinGen allele CA388693817.
Genomic context (GRCh38, chr13:100,157,290, plus strand): 5'-TTATAAAGCTTTTGCAATATGATAAAATTGAAAGTGCTTTTTGCTTTCATTTCTAAGGTA[C>T]ATCCAGGTTATGGATTCCTTTCAGAAAACAAAGAATTTGCCAGATGTTTGGTAAGTTGGT-3'
Protein context (NP_000273.2, residues 130-150): AIKKTRAQAV[His140Tyr]PGYGFLSENK

ClinVar aggregate classification (germline): Uncertain significance (1 of 4 stars; one submission).

Conditions:
Propionic acidemia (PROP). Also called: HYPERGLYCINEMIA WITH KETOACIDOSIS AND LEUKOPENIA; KETOTIC HYPERGLYCINEMIA; GLYCINEMIA, KETOTIC. Identifiers: Orphanet 35, MedGen C0268579, MONDO:0011628, OMIM 606054, HP:0003571.

gnomAD v4.1: 2 of 1,609,028 alleles (0.00012%); highest among the groups gnomAD compares: Non-Finnish European, 0.00017%; no homozygotes.

Submission:

Labcorp Genetics (formerly Invitae), Labcorp
Classification: Uncertain significance for Propionic acidemia. Last evaluated: 2022-04-08. Review status: criteria provided, single submitter. Criteria: Invitae Variant Classification Sherloc (09022015). Collection method: clinical testing. Allele origin: germline.
Comment: This sequence change replaces histidine, which is basic and polar, with tyrosine, which is neutral and polar, at codon 140 of the PCCA protein (p.His140Tyr). This variant is present in population databases (no rsID available, gnomAD 0.0009%). This variant has not been reported in the literature in individuals affected with PCCA-related conditions. Advanced modeling of protein sequence and biophysical properties (such as structural, functional, and spatial information, amino acid conservation, physicochemical variation, residue mobility, and thermodynamic stability) performed at Invitae indicates that this missense variant is expected to disrupt PCCA protein function. In summary, the available evidence is currently insufficient to determine the role of this variant in disease. Therefore, it has been classified as a Variant of Uncertain Significance.